The following is an entry in ClinVar:

ClinVar aggregate classification (germline): Likely pathogenic (1 of 4 stars; one submission).

Allele frequency attached by ClinVar (database versions not stated): gnomAD exomes below 0.00001; ExAC 0.00001; gnomAD 0.00001.
gnomAD v4.1: 2 of 1,613,146 alleles (0.00012%); highest among the groups gnomAD compares: African/African-American, 0.0027%; no homozygotes.

Submission:

GeneDx
Classification: Likely pathogenic. Last evaluated: 2019-05-21. Review status: criteria provided, single submitter. Criteria: GeneDx Variant Classification Process June 2021. Collection method: clinical testing. Allele origin: germline. Affected: yes.
Comment: Canonical splice site variant in a gene for which loss-of-function is a known mechanism of disease; Not observed at a significant frequency in large population cohorts (Lek et al., 2016); Has not been previously published as pathogenic or benign to our knowledge

NM_005006.7(NDUFS1):c.62-2A>G

Gene: NDUFS1 (NADH:ubiquinone oxidoreductase core subunit S1; minus strand). Cytogenetic location: 2q33.3.
Variant type: single nucleotide variant.
Coding change: c.62-2A>G on transcript NM_005006.7 (MANE Select); the canonical splice acceptor site of the intron before coding-DNA position 62, A replaced by G.
Molecular consequence: splice acceptor variant. On other transcripts: intron variant (2).
Genome position (GRCh38, 1-based): chr2:206,152,512, T>C on the plus strand (A>G on the coding strand, the complement: NDUFS1 is on the minus strand). VCF-style: chr2-206152512-T-C. GRCh37 (hg19) VCF-style: chr2-207017236-T-C.
Other names: c.5+1106A>G (NM_001199982.2); c.-19+1106A>G (NM_001199983.2); c.62-2A>G (NM_001199981.2); c.104-2A>G (NM_001199984.2).
Identifiers: ClinVar variation 1193648 (VCV001193648.2), dbSNP rs766908402, ClinGen allele CA2070913.